The following is an entry in ClinVar:

ClinVar aggregate classification (germline): Conflicting classifications of pathogenicity. Review status: criteria provided, conflicting classifications (1 of 4 stars). 4 submissions from 4 submitters: Likely pathogenic (1); Uncertain significance (3). Last evaluated 2024-12-23.

Conditions:
Bardet-Biedl syndrome (BBS). Identifiers: Orphanet 110, MedGen C0752166, MONDO:0015229.

Allele frequency attached by ClinVar (database versions not stated): gnomAD exomes below 0.00001.
gnomAD v4.1: 3 of 1,614,148 alleles (0.00019%); highest among the groups gnomAD compares: South Asian, 0.0011%; no homozygotes.

Submissions (4):

Women's Health and Genetics/Laboratory Corporation of America, LabCorp
Classification: Uncertain significance. Last evaluated: 2024-12-23. Review status: criteria provided, single submitter. Criteria: LabCorp Variant Classification Summary - May 2015. Collection method: clinical testing. Allele origin: germline.
Comment: Variant summary: BBS12 c.1291C>T (p.Arg431Trp) results in a non-conservative amino acid change in the encoded protein sequence. Three of five in-silico tools predict a damaging effect of the variant on protein function. The variant was absent in 251474 control chromosomes (gnomAD). The available data on variant occurrences in the general population are insufficient to allow any conclusion about variant significance. c.1291C>T has been reported in the literature in an individual affected with Bardet-Biedl Syndrome (Gnanasekaran_2023). These data do not allow any conclusion about variant significance. To our knowledge, no experimental evidence demonstrating an impact on protein function has been reported. The following publication have been ascertained in the context of this evaluation (PMID: 37431782). ClinVar contains an entry for this variant (Variation ID: 1473134). Based on the evidence outlined above, the variant was classified as uncertain significance.

Labcorp Genetics (formerly Invitae), Labcorp
Classification: Uncertain significance for Bardet-Biedl syndrome. Last evaluated: 2022-03-20. Review status: criteria provided, single submitter. Criteria: Invitae Variant Classification Sherloc (09022015). Collection method: clinical testing. Allele origin: germline.
Comment: Algorithms developed to predict the effect of missense changes on protein structure and function are either unavailable or do not agree on the potential impact of this missense change (SIFT: "Tolerated"; PolyPhen-2: "Possibly Damaging"; Align-GVGD: "Class C0"). In summary, the available evidence is currently insufficient to determine the role of this variant in disease. Therefore, it has been classified as a Variant of Uncertain Significance. This variant has not been reported in the literature in individuals affected with BBS12-related conditions. This variant is not present in population databases (gnomAD no frequency). This sequence change replaces arginine, which is basic and polar, with tryptophan, which is neutral and slightly polar, at codon 431 of the BBS12 protein (p.Arg431Trp).

Blueprint Genetics
Classification: Uncertain significance. Last evaluated: 2021-07-21. Review status: criteria provided, single submitter. Criteria: ACMG Guidelines, 2015. Collection method: clinical testing. Allele origin: germline.

SN ONGC Dept of Genetics and Molecular biology Vision Research Foundation
Classification: Likely pathogenic for Bardet-Biedl syndrome. Review status: criteria provided, single submitter. Criteria: ACMG Guidelines, 2015. Collection method: research. Allele origin: biparental. Affected: yes.

Literature cited by the submitters: PubMed 37431782 (cited by Women's Health and Genetics/Laboratory Corporation of America, LabCorp).

NM_152618.3(BBS12):c.1291C>T (p.Arg431Trp)

Gene: BBS12 (Bardet-Biedl syndrome 12; plus strand). Cytogenetic location: 4q27.
Variant type: single nucleotide variant.
Coding change: c.1291C>T on transcript NM_152618.3 (MANE Select); coding-DNA position 1291, C replaced by T.
Protein change: p.Arg431Trp; replaces arginine 431 with tryptophan.
Molecular consequence: missense variant.
Genome position (GRCh38, 1-based): chr4:122,743,183, C>T. VCF-style: chr4-122743183-C-T. GRCh37 (hg19) VCF-style: chr4-123664338-C-T.
Other names: c.1291C>T, p.Arg431Trp (NM_001178007.2); short protein forms R431W.
Identifiers: ClinVar variation 1473134 (VCV001473134.7), dbSNP rs756955366, ClinGen allele CA105249202.